The following is an entry in ClinVar:

NM_000751.3(CHRND):c.324G>A (p.Val108=)

Gene: CHRND (cholinergic receptor nicotinic delta subunit; plus strand). Cytogenetic location: 2q37.1.
Variant type: single nucleotide variant.
Coding change: c.324G>A on transcript NM_000751.3 (MANE Select); coding-DNA position 324, G replaced by A.
Protein change: p.Val108=; no amino-acid change (valine 108 retained).
Molecular consequence: synonymous variant. On other transcripts: missense variant (1), intron variant (1).
Genome position (GRCh38, 1-based): chr2:232,528,342, G>A. VCF-style: chr2-232528342-G-A. GRCh37 (hg19) VCF-style: chr2-233393052-G-A.
Other names: c.279G>A, p.Val93= (NM_001256657.2); c.53G>A, p.Cys18Tyr (NM_001311195.2); c.50+3G>A (NM_001311196.2); short protein forms C18Y.
Identifiers: ClinVar variation 422667 (VCV000422667.3), dbSNP rs1064795925, ClinGen allele CA16617495.

ClinVar aggregate classification (germline): Uncertain significance (1 of 4 stars; one submission).

Submission:

GeneDx
Classification: Uncertain significance. Last evaluated: 2020-03-11. Review status: criteria provided, single submitter. Criteria: GeneDx Variant Classification Process June 2021. Collection method: clinical testing. Allele origin: germline. Affected: yes.
Comment: Not observed in large population cohorts (Lek et al., 2016); In silico analysis supports a deleterious effect on splicing